The following is an entry in ClinVar:

ClinVar aggregate classification (germline): Uncertain significance (1 of 4 stars; one submission).

Conditions:
Juvenile nephropathic cystinosis. Also called: CYSTINOSIS, LATE-ONSET JUVENILE OR ADOLESCENT NEPHROPATHIC TYPE; Intermediate Cystinosis; Later-Onset (Juvenile) Cystinosis. Identifiers: Orphanet 213, Orphanet 411634, MedGen C0268626, MONDO:0009066, OMIM 219900.
Nephropathic cystinosis (CTNS). Also called: Abderhalden Lignac Kaufmann disease; Abderhalden-Kaufmann-Lignac syndrome; CYSTINOSIN, DEFECT OF; LYSOSOMAL CYSTINE TRANSPORT PROTEIN, DEFECT OF. Identifiers: Orphanet 213, Orphanet 411629, MedGen C2931187, MONDO:0100151, OMIM 219800.
Ocular cystinosis. Also called: Non-Nephropathic Cystinosis; Non-Nephropathic (Ocular) Cystinosis. Identifiers: Orphanet 213, Orphanet 411641, MedGen C2931013, MONDO:0009064, OMIM 219750.

gnomAD v4.1: 21 of 1,614,056 alleles (0.0013%); highest among the groups gnomAD compares: East Asian, 0.038%; no homozygotes.

Submission:

Juno Genomics, Hangzhou Juno Genomics, Inc
Classification: Uncertain significance for Nephropathic cystinosis; Juvenile nephropathic cystinosis; Ocular cystinosis. Review status: criteria provided, single submitter. Criteria: ACMG Guidelines, 2015. Collection method: clinical testing. Allele origin: germline.
Comment: Absent from controls (or at extremely low frequency if recessive) in Genome Aggregation Database.;Multiple lines of computational evidence support a deleterious effect on the gene or gene product.

NM_004937.3(CTNS):c.404T>G (p.Phe135Cys)

Genes: CTNS (cystinosin, lysosomal cystine transporter; plus strand), CTNS-AS1 (CTNS antisense RNA 1; minus strand). Cytogenetic location: 17p13.2.
Variant type: single nucleotide variant.
Coding change: c.404T>G on transcript NM_004937.3 (MANE Select); coding-DNA position 404, T replaced by G.
Protein change: p.Phe135Cys; replaces phenylalanine 135 with cysteine.
Molecular consequence: missense variant. On other transcripts: 5 prime UTR variant (4).
Genome position (GRCh38, 1-based): chr17:3,655,295, T>G. VCF-style: chr17-3655295-T-G. GRCh37 (hg19) VCF-style: chr17-3558589-T-G.
Other names: c.-38T>G (NM_001374494.1, NM_001374495.1, NM_001374496.1 and 1 more transcripts); c.404T>G, p.Phe135Cys (NM_001374492.1, NM_001031681.3); short protein forms F135C.
Identifiers: ClinVar variation 5005742 (VCV005005742.2).